The following is an entry in ClinVar:

NM_000261.2(MYOC):c.604+1G>C

Gene: MYOC (myocilin; minus strand). Cytogenetic location: 1q24.3.
Variant type: single nucleotide variant.
Coding change: c.604+1G>C on transcript NM_000261.2 (MANE Select); the canonical splice donor site of the intron after coding-DNA position 604, G replaced by C.
Molecular consequence: splice donor variant.
Genome position (GRCh38, 1-based): chr1:171,652,007, C>G on the plus strand (G>C on the coding strand, the complement: MYOC is on the minus strand). VCF-style: chr1-171652007-C-G. GRCh37 (hg19) VCF-style: chr1-171621147-C-G.
Identifiers: ClinVar variation 1324770 (VCV001324770.6), dbSNP rs751094099, ClinGen allele CA343717720.
Genomic context (GRCh38, chr1:171,652,007, plus strand): 5'-GCAGGTCACTACGAGCCATATCACCTGCTGAACTCAGAGTCCCCCCACTCTGCATTCTTA[C>G]CTTCTCTGGAGCCTGGTGGCACAGCCCGAGCAGTGTCTCGGGTCTGGGGACACTGGCCCC-3'

ClinVar aggregate classification (germline): Uncertain significance. Review status: reviewed by expert panel (3 of 4 stars). 2 submissions from 2 submitters: Uncertain significance (1). 1 of the submissions does not count toward it. Last evaluated 2025-12-03.

Conditions:
Glaucoma 1, open angle, A (GLC1A). Also called: Glaucoma, Dominant (Juvenile Onset). Identifiers: Orphanet 98977, MedGen C1842028, MONDO:0007664, OMIM 137750.
Open-angle glaucoma. Identifiers: MedGen C0017612, MONDO:0005338, HP:0012108.

Submissions (2):

ClinGen Glaucoma Variant Curation Expert Panel
Classification: Uncertain significance for Open-angle glaucoma. Last evaluated: 2025-12-03. Review status: reviewed by expert panel. Criteria: ClinGen Glaucoma ACMG Specifications V2.0.0 Approved. Collection method: curation. Allele origin: germline. Inheritance: Autosomal dominant inheritance.
Comment: The c.604+1G>C variant in MYOC is a single nucleotide splice site variant. This variant was not found in any genetic ancestry group of gnomAD (v4.1.0), meeting the ≤ 0.0001 threshold set for PM2_Supporting in a genetic ancestry group of at least 10,000 alleles. There was no functional evidence predicting a damaging or benign impact of this variant on MYOC function. This splice site variant is not within the conserved olfactomedin domain, thus PM4 did not apply. PVS1 did not apply, as the disease mechanism for MYOC variants associated with primary open angle glaucoma is not loss-of-function. This variant was identified in laboratory based testing, but has not yet been found in a proband with juvenile or primary open angle glaucoma. In summary, this variant met the criteria to receive a score of 1 and to be classified as a variant of uncertain significance (uncertain significance classification range -1 to 5, adapted from PMID: 32720330) for primary open angle glaucoma based on the ACMG/AMP criteria met, as specified by the ClinGen Glaucoma VCEP (v2.0.0, 5 Dec 2024): PM2_Supporting.

Revvity Omics, Revvity
Classification: Likely pathogenic for Glaucoma 1, open angle, A. Last evaluated: 2020-04-02. Review status: criteria provided, single submitter. Criteria: ACMG Guidelines, 2015. Collection method: clinical testing. Allele origin: germline. Not counted in ClinVar's aggregate classification.